The following is an entry in ClinVar:

ClinVar aggregate classification (germline): Uncertain significance (1 of 4 stars; one submission).

Submission:

Labcorp Genetics (formerly Invitae), Labcorp
Classification: Uncertain significance. Last evaluated: 2025-01-02. Review status: criteria provided, single submitter. Criteria: Invitae Variant Classification Sherloc (09022015). Collection method: clinical testing. Allele origin: germline.
Comment: This sequence change replaces leucine, which is neutral and non-polar, with glutamine, which is neutral and polar, at codon 165 of the NTHL1 protein (p.Leu165Gln). This variant is not present in population databases (gnomAD no frequency). This variant has not been reported in the literature in individuals affected with NTHL1-related conditions. An algorithm developed to predict the effect of missense changes on protein structure and function (PolyPhen-2) suggests that this variant is likely to be disruptive. In summary, the available evidence is currently insufficient to determine the role of this variant in disease. Therefore, it has been classified as a Variant of Uncertain Significance.

NM_002528.7(NTHL1):c.470T>A (p.Leu157Gln)

Gene: NTHL1 (nth like DNA glycosylase 1; minus strand). Cytogenetic location: 16p13.3.
Variant type: single nucleotide variant.
Coding change: c.470T>A on transcript NM_002528.7 (MANE Select); coding-DNA position 470, T replaced by A.
Protein change: p.Leu157Gln; replaces leucine 157 with glutamine.
Molecular consequence: missense variant. On other transcripts: intron variant (1).
Genome position (GRCh38, 1-based): chr16:2,044,685, A>T on the plus strand (T>A on the coding strand, the complement: NTHL1 is on the minus strand). VCF-style: chr16-2044685-A-T. GRCh37 (hg19) VCF-style: chr16-2094686-A-T.
Other names: c.140T>A, p.Leu47Gln (NM_001318194.2); c.355-959T>A (NM_001318193.2); short protein forms L157Q, L47Q.
Identifiers: ClinVar variation 3728457 (VCV003728457.2).
Genomic context (GRCh38, chr16:2,044,685, plus strand): 5'-CTCACCCTCCAGAAACCGACGGGGTAGATGAGCTTGCCCAGCGTGGCATCATCTGTCTGC[A>T]GGATGCTGTCCACCGTCAGGCCCCGCGCCCGCAGTCGCTGCATGGCGCCCGCCGTCACCT-3'
Protein context (NP_002519.2, residues 147-167): RARGLTVDSI[Leu157Gln]QTDDATLGKL